The following is an entry in ClinVar:

NM_000135.4(FANCA):c.2675C>T (p.Ser892Phe)

Genes: FANCA (FA complementation group A; minus strand), LOC130059837 (ATAC-STARR-seq lymphoblastoid active region 11420; plus strand). Cytogenetic location: 16q24.3.
Variant type: single nucleotide variant.
Coding change: c.2675C>T on transcript NM_000135.4 (MANE Select); coding-DNA position 2675, C replaced by T.
Protein change: p.Ser892Phe; replaces serine 892 with phenylalanine.
Molecular consequence: missense variant.
Genome position (GRCh38, 1-based): chr16:89,764,993, G>A on the plus strand (C>T on the coding strand, the complement: FANCA is on the minus strand). VCF-style: chr16-89764993-G-A. GRCh37 (hg19) VCF-style: chr16-89831401-G-A.
Other names: c.2675C>T, p.Ser892Phe (NM_001286167.3); short protein forms S892F.
Identifiers: ClinVar variation 4619218 (VCV004619218.1).

ClinVar aggregate classification (germline): Uncertain significance (1 of 4 stars; one submission).

Conditions:
Inborn genetic diseases. Identifiers: MedGen C0950123, MeSH D030342.

gnomAD v4.1: 1 of 1,614,132 alleles (0.000062%); highest among the groups gnomAD compares: Admixed American, 0.0017%; no homozygotes.

Submission:

Ambry Genetics
Classification: Uncertain significance for Inborn genetic diseases. Last evaluated: 2025-10-22. Review status: criteria provided, single submitter. Criteria: Ambry Variant Classification Scheme 2023. Collection method: clinical testing. Allele origin: germline.
Comment: The p.S892F variant (also known as c.2675C>T), located in coding exon 28 of the FANCA gene, results from a C to T substitution at nucleotide position 2675. The serine at codon 892 is replaced by phenylalanine, an amino acid with highly dissimilar properties. This amino acid position is conserved. In addition, the in silico prediction for this alteration is inconclusive. Based on the available evidence, the clinical significance of this variant remains unclear.